The following is an entry in ClinVar:

ClinVar aggregate classification (germline): Uncertain significance. Review status: criteria provided, multiple submitters, no conflicts (2 of 4 stars). 2 submissions from 2 submitters: Uncertain significance (2). Last evaluated 2024-04-01.

Conditions:
Hereditary cancer-predisposing syndrome. Also called: Hereditary neoplastic syndrome; Hereditary Cancer Syndrome; Neoplastic Syndromes, Hereditary; Tumor predisposition. Identifiers: Orphanet 140162, MedGen C0027672, MeSH D009386, MONDO:0015356.
Juvenile polyposis syndrome (JPS). Identifiers: Orphanet 2929, MedGen C0345893, MONDO:0017380, OMIM 174900.

Submissions (2):

Ambry Genetics
Classification: Uncertain significance for Hereditary cancer-predisposing syndrome. Last evaluated: 2024-04-01. Review status: criteria provided, single submitter. Criteria: Ambry Variant Classification Scheme 2023. Collection method: clinical testing. Allele origin: germline.
Comment: The p.L222V variant (also known as c.664C>G), located in coding exon 6 of the BMPR1A gene, results from a C to G substitution at nucleotide position 664. The leucine at codon 222 is replaced by valine, an amino acid with highly similar properties. This amino acid position is conserved. In addition, the in silico prediction for this alteration is inconclusive. Based on the available evidence, the clinical significance of this alteration remains unclear.

Labcorp Genetics (formerly Invitae), Labcorp
Classification: Uncertain significance for Juvenile polyposis syndrome. Last evaluated: 2023-05-02. Review status: criteria provided, single submitter. Criteria: Invitae Variant Classification Sherloc (09022015). Collection method: clinical testing. Allele origin: germline.
Comment: This sequence change replaces leucine, which is neutral and non-polar, with valine, which is neutral and non-polar, at codon 222 of the BMPR1A protein (p.Leu222Val). This variant is not present in population databases (gnomAD no frequency). This variant has not been reported in the literature in individuals affected with BMPR1A-related conditions. Advanced modeling of protein sequence and biophysical properties (such as structural, functional, and spatial information, amino acid conservation, physicochemical variation, residue mobility, and thermodynamic stability) has been performed at Invitae for this missense variant, however the output from this modeling did not meet the statistical confidence thresholds required to predict the impact of this variant on BMPR1A protein function. In summary, the available evidence is currently insufficient to determine the role of this variant in disease. Therefore, it has been classified as a Variant of Uncertain Significance.

NM_004329.3(BMPR1A):c.664C>G (p.Leu222Val)

Gene: BMPR1A (bone morphogenetic protein receptor type 1A; plus strand). Cytogenetic location: 10q23.2.
Variant type: single nucleotide variant.
Coding change: c.664C>G on transcript NM_004329.3 (MANE Select); coding-DNA position 664, C replaced by G.
Protein change: p.Leu222Val; replaces leucine 222 with valine.
Molecular consequence: missense variant. On other transcripts: non-coding transcript variant (3), intron variant (1).
Genome position (GRCh38, 1-based): chr10:86,912,373, C>G. VCF-style: chr10-86912373-C-G. GRCh37 (hg19) VCF-style: chr10-88672130-C-G.
Other names: c.739C>G, p.Leu247Val (NM_001406559.1); c.712C>G, p.Leu238Val (NM_001406560.1); c.664C>G, p.Leu222Val (NM_001406561.1, NM_001406562.1, NM_001406563.1 and 20 more transcripts); c.580C>G, p.Leu194Val (NM_001406585.1, NM_001406586.1, NM_001406587.1 and 2 more transcripts); c.334-4761C>G (NM_001406589.1); short protein forms L194V, L247V, L222V, L238V.
Identifiers: ClinVar variation 2861413 (VCV002861413.4), dbSNP rs2539574758, ClinGen allele CA377455167.
Genomic context (GRCh38, chr10:86,912,373, plus strand): 5'-GTTGGAGAATCACTAAAAGACCTTATTGACCAGTCACAAAGTTCTGGTAGTGGGTCTGGA[C>G]TACCTTTATTGGTAAGTTAAACGTTCCTATAGACATGAATGGTGTGTTGATTTAGAATGT-3'
Protein context (NP_004320.2, residues 212-232): QSQSSGSGSG[Leu222Val]PLLVQRTIAK